The following is an entry in ClinVar:

ClinVar aggregate classification (germline): Uncertain significance (1 of 4 stars; one submission).

gnomAD v4.1: 1 of 1,609,546 alleles (0.000062%); highest among the groups gnomAD compares: Non-Finnish European, 0.000085%; no homozygotes.

Submission:

Ambry Genetics
Classification: Uncertain significance. Last evaluated: 2022-03-04. Review status: criteria provided, single submitter. Criteria: Ambry Variant Classification Scheme 2023. Collection method: clinical testing. Allele origin: germline.
Comment: The p.P1054A variant (also known as c.3160C>G), located in coding exon 17 of the NPAT gene, results from a C to G substitution at nucleotide position 3160. The proline at codon 1054 is replaced by alanine, an amino acid with highly similar properties. This amino acid position is conserved. In addition, this alteration is predicted to be tolerated by in silico analysis. Since supporting evidence is limited at this time, the clinical significance of this alteration remains unclear.

NM_002519.3(NPAT):c.3160C>G (p.Pro1054Ala)

Gene: NPAT (nuclear protein, coactivator of histone transcription; minus strand). Cytogenetic location: 11q22.3.
Variant type: single nucleotide variant.
Coding change: c.3160C>G on transcript NM_002519.3 (MANE Select); coding-DNA position 3160, C replaced by G.
Protein change: p.Pro1054Ala; replaces proline 1054 with alanine.
Molecular consequence: missense variant.
Genome position (GRCh38, 1-based): chr11:108,161,926, G>C on the plus strand (C>G on the coding strand, the complement: NPAT is on the minus strand). VCF-style: chr11-108161926-G-C. GRCh37 (hg19) VCF-style: chr11-108032653-G-C.
Other names: c.3181C>G, p.Pro1061Ala (NM_001321307.1); short protein forms P1054A, P1061A.
Identifiers: ClinVar variation 1728305 (VCV001728305.2), dbSNP rs2134819892, ClinGen allele CA382511403.